The following is an entry in ClinVar:

NM_007294.4(BRCA1):c.2432C>G (p.Pro811Arg)

Gene: BRCA1 (BRCA1 DNA repair associated; minus strand). Cytogenetic location: 17q21.31.
Variant type: single nucleotide variant.
Coding change: c.2432C>G on transcript NM_007294.4 (MANE Select); coding-DNA position 2432, C replaced by G.
Protein change: p.Pro811Arg; replaces proline 811 with arginine.
Molecular consequence: missense variant. On other transcripts: intron variant (137).
Genome position (GRCh38, 1-based): chr17:43,093,099, G>C on the plus strand (C>G on the coding strand, the complement: BRCA1 is on the minus strand). VCF-style: chr17-43093099-G-C. GRCh37 (hg19) VCF-style: chr17-41245116-G-C.
Other names: c.2219C>G, p.Pro740Arg (NM_001407571.1, NM_001407853.1, NM_001407894.1 and 9 more transcripts); c.2432C>G, p.Pro811Arg (NM_001407581.1, NM_001407582.1, NM_001407583.1 and 30 more transcripts); c.2429C>G, p.Pro810Arg (NM_001407587.1, NM_001407590.1, NM_001407591.1 and 22 more transcripts); c.2423C>G, p.Pro808Arg (NM_001407646.1, NM_001407647.1); c.2309C>G, p.Pro770Arg (NM_001407648.1, NM_001407664.1, NM_001407665.1 and 19 more transcripts); c.2306C>G, p.Pro769Arg (NM_001407649.1, NM_001407670.1, NM_001407671.1 and 11 more transcripts); c.2354C>G, p.Pro785Arg (NM_001407653.1, NM_001407654.1, NM_001407655.1 and 4 more transcripts); c.2351C>G, p.Pro784Arg (NM_001407659.1, NM_001407660.1, NM_001407661.1 and 1 more transcripts); and 41 more; short protein forms P764R, P811R, P643R, P699R, P808R, P723R, P741R, P743R.
Identifiers: ClinVar variation 952438 (VCV000952438.13), dbSNP rs2053761478, ClinGen allele CA10597144.

ClinVar aggregate classification (germline): Conflicting classifications of pathogenicity. Review status: criteria provided, conflicting classifications (1 of 4 stars). 2 submissions from 2 submitters: Uncertain significance (1); Likely benign (1). Last evaluated 2023-03-23.

Conditions:
Hereditary breast ovarian cancer syndrome. Also called: Hereditary breast and ovarian cancer; Hereditary breast and/or ovarian cancer syndrome; Hereditary breast and ovarian cancer syndrome; Hereditary breast and ovarian cancer syndrome (HBOC); BRCA1- and BRCA2-Associated Hereditary Breast and Ovarian Cancer; Breast and ovarian cancer. Identifiers: Orphanet 145, MedGen C0677776, MeSH D061325, MONDO:0003582. Disease mechanism: loss of function.
Hereditary cancer-predisposing syndrome. Also called: Tumor predisposition; Hereditary neoplastic syndrome; Neoplastic Syndromes, Hereditary; Hereditary Cancer Syndrome. Identifiers: Orphanet 140162, MedGen C0027672, MeSH D009386, MONDO:0015356.

Submissions (2):

University of Washington Department of Laboratory Medicine, University of Washington
Classification: Likely benign for Hereditary cancer-predisposing syndrome. Last evaluated: 2023-03-23. Review status: criteria provided, single submitter. Criteria: Dines et al. (Genet Med. 2020). Collection method: curation. Allele origin: germline.
Comment: Missense variant in a coldspot region where missense variants are very unlikely to be pathogenic (PMID:31911673).

BRCA1 coldspot (exon 11 using historical exon numbering). Reclassification based on statistical prior probability

Labcorp Genetics (formerly Invitae), Labcorp
Classification: Uncertain significance for Hereditary breast ovarian cancer syndrome. Last evaluated: 2019-06-25. Review status: criteria provided, single submitter. Criteria: Invitae Variant Classification Sherloc (09022015). Collection method: clinical testing. Allele origin: germline.
Comment: This variant has not been reported in the literature in individuals with BRCA1-related conditions. This variant is not present in population databases (ExAC no frequency). This sequence change replaces proline with arginine at codon 811 of the BRCA1 protein (p.Pro811Arg). The proline residue is moderately conserved and there is a moderate physicochemical difference between proline and arginine. Algorithms developed to predict the effect of missense changes on protein structure and function are either unavailable or do not agree on the potential impact of this missense change (SIFT: "Tolerated"; PolyPhen-2: "Probably Damaging"; Align-GVGD: "Class C0"). In summary, the available evidence is currently insufficient to determine the role of this variant in disease. Therefore, it has been classified as a Variant of Uncertain Significance.